The following is an entry in ClinVar:

ClinVar aggregate classification (germline): Uncertain significance (1 of 4 stars; one submission).

Conditions:
Drash syndrome (DDS). Also called: WILMS TUMOR AND PSEUDO- OR TRUE HERMAPHRODITISM; NEPHROPATHY, WILMS TUMOR, AND GENITAL ANOMALIES. Identifiers: Orphanet 220, MedGen C0950121, MONDO:0008682, OMIM 194080.
Frasier syndrome. Identifiers: Orphanet 347, MedGen C0950122, MeSH D052159, MONDO:0007635, OMIM 136680.
Wilms tumor 1 (WT1). Also called: Wilms tumor, somatic. Identifiers: Orphanet 654, MedGen CN033288, MONDO:0008679, OMIM 194070.
11p partial monosomy syndrome (WAGR). Also called: CHROMOSOME 11p13 DELETION SYNDROME; WAGR Complex; WAGR syndrome; WAGR Spectrum Disorder. Identifiers: Orphanet 893, MedGen C0206115, MONDO:0008681, OMIM 194072.

Submission:

Labcorp Genetics (formerly Invitae), Labcorp
Classification: Uncertain significance for Wilms tumor 1; Drash syndrome; 11p partial monosomy syndrome; Frasier syndrome. Last evaluated: 2018-10-17. Review status: criteria provided, single submitter. Criteria: Invitae Variant Classification Sherloc (09022015). Collection method: clinical testing. Allele origin: germline.
Comment: This sequence change replaces proline with histidine at codon 372 of the WT1 protein (p.Pro372His). The proline residue is highly conserved and there is a moderate physicochemical difference between proline and histidine. This variant is not present in population databases (ExAC no frequency). This variant has not been reported in the literature in individuals with WT1-related disease. Algorithms developed to predict the effect of missense changes on protein structure and function are either unavailable or do not agree on the potential impact of this missense change (SIFT: "Deleterious"; PolyPhen-2: "Possibly Damaging"; Align-GVGD: "Class C15"). In summary, the available evidence is currently insufficient to determine the role of this variant in disease. Therefore, it has been classified as a Variant of Uncertain Significance.

NM_024426.6(WT1):c.1130C>A (p.Pro377His)

Gene: WT1 (WT1 transcription factor; minus strand). Cytogenetic location: 11p13.
Variant type: single nucleotide variant.
Coding change: c.1130C>A on transcript NM_024426.6 (MANE Select); coding-DNA position 1130, C replaced by A.
Protein change: p.Pro377His; replaces proline 377 with histidine.
Molecular consequence: missense variant. On other transcripts: 5 prime UTR variant (1), non-coding transcript variant (1).
Genome position (GRCh38, 1-based): chr11:32,396,391, G>T on the plus strand (C>A on the coding strand, the complement: WT1 is on the minus strand). VCF-style: chr11-32396391-G-T. GRCh37 (hg19) VCF-style: chr11-32417937-G-T.
Other names: c.1079C>A, p.Pro360His (NM_000378.6, NM_001407045.1, NM_001407048.1 and 1 more transcripts); c.479C>A, p.Pro160His (NM_001198551.2); c.428C>A, p.Pro143His (NM_001198552.2); c.-59C>A (NM_001367854.1); c.1124C>A, p.Pro375His (NM_001407044.1); c.1130C>A, p.Pro377His (NM_001407046.1, NM_024424.5); c.1007C>A, p.Pro336His (NM_001407047.1); c.956C>A, p.Pro319His (NM_001407050.1); and 2 more; short protein forms P143H, P160H, P360H, P377H, P336H, P355H, P375H, P319H.
Identifiers: ClinVar variation 641525 (VCV000641525.10), dbSNP rs1590339111, ClinGen allele CA379960054.